The following is an entry in ClinVar:

NM_006231.4(POLE):c.4233C>G (p.Ile1411Met)

Gene: POLE (DNA polymerase epsilon, catalytic subunit; minus strand). Cytogenetic location: 12q24.33.
Variant type: single nucleotide variant.
Coding change: c.4233C>G on transcript NM_006231.4 (MANE Select); coding-DNA position 4233, C replaced by G.
Protein change: p.Ile1411Met; replaces isoleucine 1411 with methionine.
Molecular consequence: missense variant.
Genome position (GRCh38, 1-based): chr12:132,643,894, G>C on the plus strand (C>G on the coding strand, the complement: POLE is on the minus strand). VCF-style: chr12-132643894-G-C. GRCh37 (hg19) VCF-style: chr12-133220480-G-C.
Other names: c.4233C>G (NM_006231.2); short protein forms I1411M.
Identifiers: ClinVar variation 473657 (VCV000473657.7), dbSNP rs1555223081, ClinGen allele CA387382083.
Genomic context (GRCh38, chr12:132,643,894, plus strand): 5'-CACCTGAGTCTCATATACGCCCTCGATGTCTGGCGCTGACAGCTCAGCGTTGATCTCGTT[G>C]ATGTGTTCCTGGTACATGTCCTCTGGCACTGAATACTCATAGAGATTGTAGACCATGTTG-3'
Protein context (NP_006222.2, residues 1401-1421): SVPEDMYQEH[Ile1411Met]NEINAELSAP

ClinVar aggregate classification (germline): Conflicting classifications of pathogenicity. Review status: criteria provided, conflicting classifications (1 of 4 stars). 2 submissions from 2 submitters: Uncertain significance (1); Likely benign (1). Last evaluated 2025-01-21.

Conditions:
Hereditary cancer-predisposing syndrome. Also called: Neoplastic Syndromes, Hereditary; Tumor predisposition; Hereditary Cancer Syndrome; Hereditary neoplastic syndrome. Identifiers: Orphanet 140162, MedGen C0027672, MeSH D009386, MONDO:0015356.

Submissions (2):

Ambry Genetics
Classification: Likely benign for Hereditary cancer-predisposing syndrome. Last evaluated: 2025-01-21. Review status: criteria provided, single submitter. Criteria: Ambry Variant Classification Scheme 2023. Collection method: clinical testing. Allele origin: germline.

Labcorp Genetics (formerly Invitae), Labcorp
Classification: Uncertain significance. Last evaluated: 2024-12-02. Review status: criteria provided, single submitter. Criteria: Invitae Variant Classification Sherloc (09022015). Collection method: clinical testing. Allele origin: germline.
Comment: This sequence change replaces isoleucine, which is neutral and non-polar, with methionine, which is neutral and non-polar, at codon 1411 of the POLE protein (p.Ile1411Met). This variant is not present in population databases (gnomAD no frequency). This variant has not been reported in the literature in individuals affected with POLE-related conditions. ClinVar contains an entry for this variant (Variation ID: 473657). Invitae Evidence Modeling of protein sequence and biophysical properties (such as structural, functional, and spatial information, amino acid conservation, physicochemical variation, residue mobility, and thermodynamic stability) indicates that this missense variant is not expected to disrupt POLE protein function with a negative predictive value of 80%. In summary, the available evidence is currently insufficient to determine the role of this variant in disease. Therefore, it has been classified as a Variant of Uncertain Significance.